The following is an entry in ClinVar:

ClinVar aggregate classification (germline): Uncertain significance (1 of 4 stars; one submission).

gnomAD v4.1: 1 of 1,613,864 alleles (0.000062%); highest among the groups gnomAD compares: South Asian, 0.0011%; no homozygotes.

Submission:

Labcorp Genetics (formerly Invitae), Labcorp
Classification: Uncertain significance. Last evaluated: 2023-04-10. Review status: criteria provided, single submitter. Criteria: Invitae Variant Classification Sherloc (09022015). Collection method: clinical testing. Allele origin: germline.
Comment: This variant is not present in population databases (gnomAD no frequency). This sequence change replaces histidine, which is basic and polar, with tyrosine, which is neutral and polar, at codon 264 of the TNNI3K protein (p.His264Tyr). This variant has not been reported in the literature in individuals affected with TNNI3K-related conditions. Advanced modeling of protein sequence and biophysical properties (such as structural, functional, and spatial information, amino acid conservation, physicochemical variation, residue mobility, and thermodynamic stability) performed at Invitae indicates that this missense variant is not expected to disrupt TNNI3K protein function. In summary, the available evidence is currently insufficient to determine the role of this variant in disease. Therefore, it has been classified as a Variant of Uncertain Significance.

NM_015978.3(TNNI3K):c.790C>T (p.His264Tyr)

Genes: FPGT-TNNI3K (FPGT-TNNI3K readthrough; plus strand), TNNI3K (TNNI3 interacting kinase; plus strand). Cytogenetic location: 1p31.1.
Variant type: single nucleotide variant.
Coding change: c.790C>T on transcript NM_015978.3 (MANE Select); coding-DNA position 790, C replaced by T.
Protein change: p.His264Tyr; replaces histidine 264 with tyrosine.
Molecular consequence: missense variant.
Genome position (GRCh38, 1-based): chr1:74,342,949, C>T. VCF-style: chr1-74342949-C-T. GRCh37 (hg19) VCF-style: chr1-74808633-C-T.
Other names: c.1093C>T, p.His365Tyr (NM_001112808.3, NM_001199327.2); short protein forms H365Y, H264Y.
Identifiers: ClinVar variation 2854769 (VCV002854769.3), dbSNP rs2524361403, ClinGen allele CA340781835.